The following is an entry in ClinVar:

ClinVar aggregate classification (germline): Uncertain significance. Review status: criteria provided, multiple submitters, no conflicts (2 of 4 stars). 4 submissions from 4 submitters: Uncertain significance (4). Last evaluated 2024-04-26.

Conditions:
Autosomal recessive ataxia, Beauce type. Also called: Spinocerebellar ataxia, autosomal recessive 8; ATAXIA, RECESSIVE, OF BEAUCE; SYNE1 Deficiency; SYNE1-Related Autosomal Recessive Cerebellar Ataxia. Identifiers: Orphanet 88644, MedGen C1853116, MONDO:0012549, OMIM 610743.
Emery-Dreifuss muscular dystrophy 4, autosomal dominant (EDMD4). Also called: EMERY-DREIFUSS MUSCULAR DYSTROPHY 4 WITH VARIABLE FEATURES. Identifiers: Orphanet 261, MedGen C2751807, MONDO:0013071, OMIM 612998.

Allele frequency attached by ClinVar (database versions not stated): gnomAD exomes below 0.00001; gnomAD 0.00001; TOPMed 0.00001.
gnomAD v4.1: 5 of 1,614,048 alleles (0.00031%); highest among the groups gnomAD compares: African/African-American, 0.0013%; no homozygotes.

Submissions (4):

Athena Diagnostics
Classification: Uncertain significance. Last evaluated: 2024-04-26. Review status: criteria provided, single submitter. Criteria: Athena Diagnostics Criteria. Collection method: clinical testing. Allele origin: unknown.

Labcorp Genetics (formerly Invitae), Labcorp
Classification: Uncertain significance for Emery-Dreifuss muscular dystrophy 4, autosomal dominant; Autosomal recessive ataxia, Beauce type. Last evaluated: 2021-01-15. Review status: criteria provided, single submitter. Criteria: Invitae Variant Classification Sherloc (09022015). Collection method: clinical testing. Allele origin: germline.
Comment: This sequence change replaces valine with alanine at codon 6778 of the SYNE1 protein (p.Val6778Ala). The valine residue is highly conserved and there is a small physicochemical difference between valine and alanine. This variant is not present in population databases (ExAC no frequency). This variant has not been reported in the literature in individuals with SYNE1-related disease. ClinVar contains an entry for this variant (Variation ID: 286929). Algorithms developed to predict the effect of missense changes on protein structure and function (SIFT, PolyPhen-2, Align-GVGD) all suggest that this variant is likely to be disruptive, but these predictions have not been confirmed by published functional studies and their clinical significance is uncertain. In summary, the available evidence is currently insufficient to determine the role of this variant in disease. Therefore, it has been classified as a Variant of Uncertain Significance.

GeneDx
Classification: Uncertain significance. Last evaluated: 2019-03-26. Review status: criteria provided, single submitter. Criteria: GeneDx Variant Classification Process June 2021. Collection method: clinical testing. Allele origin: germline. Affected: yes.
Comment: Has not been previously published as pathogenic or benign to our knowledge; Not observed at a significant frequency in large population cohorts (Lek et al., 2016); In silico analysis, which includes protein predictors and evolutionary conservation, supports a deleterious effect

Eurofins Ntd Llc (ga)
Classification: Uncertain significance. Last evaluated: 2016-03-23. Review status: criteria provided, single submitter. Criteria: EGL Classification Definitions 2015. Collection method: clinical testing. Allele origin: germline. Observed: 1 variant allele, 1 heterozygote.

NM_182961.4(SYNE1):c.20546T>C (p.Val6849Ala)

Gene: SYNE1 (spectrin repeat containing nuclear envelope protein 1; minus strand). Cytogenetic location: 6q25.2.
Variant type: single nucleotide variant.
Coding change: c.20546T>C on transcript NM_182961.4 (MANE Select); coding-DNA position 20546, T replaced by C.
Protein change: p.Val6849Ala; replaces valine 6849 with alanine.
Molecular consequence: missense variant.
Genome position (GRCh38, 1-based): chr6:152,233,947, A>G on the plus strand (T>C on the coding strand, the complement: SYNE1 is on the minus strand). VCF-style: chr6-152233947-A-G. GRCh37 (hg19) VCF-style: chr6-152555082-A-G.
Other names: c.20333T>C, p.Val6778Ala (NM_033071.5); c.20546T>C (NM_182961.2); short protein forms V6778A, V6849A.
Identifiers: ClinVar variation 286929 (VCV000286929.15), dbSNP rs886043522, ClinGen allele CA10605616.
Genomic context (GRCh38, chr6:152,233,947, plus strand): 5'-AGTCGAAGGAGCTGATTTCCAGTACTCAGAACAGATGATTTCAGGGAAGATTGGGCATCC[A>G]CTTCTTTAGAAAACTCCTGAAACAAGTAGCGATGTTCAAATTAGGGTTAAATAGCTAGAC-3'
Protein context (NP_892006.3, residues 6839-6859): LNAFLEFSKE[Val6849Ala]DAQSSLKSSV